The following is an entry in ClinVar:

NM_020693.4(DSCAML1):c.5915G>C (p.Arg1972Thr)

Gene: DSCAML1 (DS cell adhesion molecule like 1; minus strand). Cytogenetic location: 11q23.3.
Variant type: single nucleotide variant.
Coding change: c.5915G>C on transcript NM_020693.4 (MANE Select); coding-DNA position 5915, G replaced by C.
Protein change: p.Arg1972Thr; replaces arginine 1972 with threonine.
Molecular consequence: missense variant.
Genome position (GRCh38, 1-based): chr11:117,428,575, C>G on the plus strand (G>C on the coding strand, the complement: DSCAML1 is on the minus strand). VCF-style: chr11-117428575-C-G. GRCh37 (hg19) VCF-style: chr11-117299291-C-G.
Other names: short protein forms R1972T.
Identifiers: ClinVar variation 3603439 (VCV003603439.2).
Genomic context (GRCh38, chr11:117,428,575, plus strand): 5'-GGGGTGGGGCCGGGGGCTGGGGGGGCTGTGCCGGCTGGGGGGGCTGGCATGGCCAGAGTC[C>G]TCTGAGGTAAGGTGGCTGTGGAGGCGGCAGCGGGGGCCCCTGGGTGGGGAAGGCCCAAGG-3'
Protein context (NP_065744.3, residues 1962-1982): AAASTATLPQ[Arg1972Thr]TLAMPAPPAG

ClinVar aggregate classification (germline): Uncertain significance (1 of 4 stars; one submission).

Submission:

Labcorp Genetics (formerly Invitae), Labcorp
Classification: Uncertain significance. Last evaluated: 2024-09-09. Review status: criteria provided, single submitter. Criteria: Invitae Variant Classification Sherloc (09022015). Collection method: clinical testing. Allele origin: germline.
Comment: This sequence change replaces arginine, which is basic and polar, with threonine, which is neutral and polar, at codon 2032 of the DSCAML1 protein (p.Arg2032Thr). This variant is not present in population databases (gnomAD no frequency). This variant has not been reported in the literature in individuals affected with DSCAML1-related conditions. An algorithm developed to predict the effect of missense changes on protein structure and function (PolyPhen-2) suggests that this variant is likely to be tolerated. In summary, the available evidence is currently insufficient to determine the role of this variant in disease. Therefore, it has been classified as a Variant of Uncertain Significance.